The following is an entry in ClinVar:

NM_012471.3(TRPC5):c.2044T>G (p.Cys682Gly)

Gene: TRPC5 (transient receptor potential cation channel subfamily C member 5; minus strand). Cytogenetic location: Xq23.
Variant type: single nucleotide variant.
Coding change: c.2044T>G on transcript NM_012471.3 (MANE Select); coding-DNA position 2044, T replaced by G.
Protein change: p.Cys682Gly; replaces cysteine 682 with glycine.
Molecular consequence: missense variant.
Genome position (GRCh38, 1-based): chrX:111,781,991, A>C on the plus strand (T>G on the coding strand, the complement: TRPC5 is on the minus strand). VCF-style: chrX-111781991-A-C. GRCh37 (hg19) VCF-style: chrX-111025219-A-C.
Other names: short protein forms C682G.
Identifiers: ClinVar variation 4987812 (VCV004987812.1).

ClinVar aggregate classification (germline): Uncertain significance (1 of 4 stars; one submission).

Conditions:
TRPC5-related disorder. Also called: TRPC5-related condition.

gnomAD v4.1: 3 of 1,210,983 alleles (0.00025%); highest among the groups gnomAD compares: Non-Finnish European, 0.00034%; no homozygotes.

Submission:

PreventionGenetics, part of Exact Sciences
Classification: Uncertain significance for TRPC5-related condition. Last evaluated: 2024-10-04. Review status: criteria provided, single submitter. Criteria: ACMG Guidelines, 2015. Collection method: clinical testing. Allele origin: germline.
Comment: The TRPC5 c.2044T>G variant is predicted to result in the amino acid substitution p.Cys682Gly. To our knowledge, this variant has not been reported in the literature. This variant is reported in 0.0012% of alleles in individuals of European (Non-Finnish) descent in gnomAD. At this time, the clinical significance of this variant is uncertain due to the absence of conclusive functional and genetic evidence.